The following is an entry in ClinVar:

ClinVar aggregate classification (germline): Likely benign (1 of 4 stars; one submission).

Submission:

GeneDx
Classification: Likely benign. Last evaluated: 2016-06-09. Review status: criteria provided, single submitter. Criteria: GeneDx Variant Classification (06012015). Collection method: clinical testing. Allele origin: germline. Affected: yes.
Comment: This variant is considered likely benign or benign based on one or more of the following criteria: it is a conservative change, it occurs at a poorly conserved position in the protein, it is predicted to be benign by multiple in silico algorithms, and/or has population frequency not consistent with disease.

NM_001127222.2(CACNA1A):c.1290A>G (p.Thr430=)

Gene: CACNA1A (calcium voltage-gated channel subunit alpha1 A; minus strand). Cytogenetic location: 19p13.13.
Variant type: single nucleotide variant.
Coding change: c.1290A>G on transcript NM_001127222.2 (MANE Select); coding-DNA position 1290, A replaced by G.
Protein change: p.Thr430=; no amino-acid change (threonine 430 retained).
Molecular consequence: synonymous variant.
Genome position (GRCh38, 1-based): chr19:13,330,299, T>C on the plus strand (A>G on the coding strand, the complement: CACNA1A is on the minus strand). VCF-style: chr19-13330299-T-C. GRCh37 (hg19) VCF-style: chr19-13441113-T-C.
Other names: c.1293A>G, p.Thr431= (NM_000068.4, NM_001127221.2, NM_001174080.2 and 1 more transcripts).
Identifiers: ClinVar variation 386857 (VCV000386857.1), dbSNP rs1057522625, ClinGen allele CA16608086.
Genomic context (GRCh38, chr19:13,330,299, plus strand): 5'-CTCACCCACAGAGGCTATATCAGCCAGCTGATCCTCAGCCTCTTCGGGGTTGAGCAAATC[T>C]GTCTTGCTTTTCTTTATGGTGGTTCTCCGCAGAGCTCCAACAATGGAAACATGGCAAGAG-3'
Protein context (NP_001120694.1, residues 420-440): LRRTTIKKSK[Thr430=]DLLNPEEAED